The following is an entry in ClinVar:

NM_014516.4(CNOT3):c.2090G>A (p.Arg697Gln)

Gene: CNOT3 (CCR4-NOT transcription complex subunit 3; plus strand). Cytogenetic location: 19q13.42.
Variant type: single nucleotide variant.
Coding change: c.2090G>A on transcript NM_014516.4 (MANE Select); coding-DNA position 2090, G replaced by A.
Protein change: p.Arg697Gln; replaces arginine 697 with glutamine.
Molecular consequence: missense variant. On other transcripts: 3 prime UTR variant (2), non-coding transcript variant (2).
Genome position (GRCh38, 1-based): chr19:54,153,767, G>A. VCF-style: chr19-54153767-G-A. GRCh37 (hg19) VCF-style: chr19-54657504-G-A.
Other names: c.2093G>A, p.Arg698Gln (NM_001440653.1, NM_001440655.1, NM_001440657.1 and 2 more transcripts); c.2090G>A, p.Arg697Gln (NM_001440654.1, NM_001440656.1, NM_001440658.1); c.1547G>A, p.Arg516Gln (NM_001440659.1, NM_001440660.1); c.*16G>A (NM_001440663.1, NM_001440664.1); short protein forms R516Q, R697Q, R698Q.
Identifiers: ClinVar variation 4883599 (VCV004883599.2).

ClinVar aggregate classification (germline): Uncertain significance (1 of 4 stars; one submission).

Submission:

Dasa
Classification: Uncertain significance. Last evaluated: 2025-11-18. Review status: criteria provided, single submitter. Criteria: DASA Assertion Criteria. Collection method: clinical testing. Allele origin: germline.
Comment: NM_014516.4(CNOT3):c.2090G>A (p.Arg697Gln) is a missense variant that results in the substitution of arginine with glutamine. The affected residue or protein region has prior evidence supporting clinical relevance. This variant is absent from population databases. The currently available literature and clinical evidence are not sufficient to establish a definitive association between this variant and the reported condition. Therefore, this variant is classified as a variant of uncertain significance.